The following is an entry in ClinVar:

NM_001845.6(COL4A1):c.4586T>A (p.Met1529Lys)

Gene: COL4A1 (collagen type IV alpha 1 chain; minus strand). Cytogenetic location: 13q34.
Variant type: single nucleotide variant.
Coding change: c.4586T>A on transcript NM_001845.6 (MANE Select); coding-DNA position 4586, T replaced by A.
Protein change: p.Met1529Lys; replaces methionine 1529 with lysine.
Molecular consequence: missense variant.
Genome position (GRCh38, 1-based): chr13:110,161,246, A>T on the plus strand (T>A on the coding strand, the complement: COL4A1 is on the minus strand). VCF-style: chr13-110161246-A-T. GRCh37 (hg19) VCF-style: chr13-110813593-A-T.
Other names: short protein forms M1529K.
Identifiers: ClinVar variation 2710288 (VCV002710288.3), dbSNP rs762612595, ClinGen allele CA388657203.

ClinVar aggregate classification (germline): Uncertain significance (1 of 4 stars; one submission).

Submission:

Labcorp Genetics (formerly Invitae), Labcorp
Classification: Uncertain significance. Last evaluated: 2025-11-04. Review status: criteria provided, single submitter. Criteria: Invitae Variant Classification Sherloc (09022015). Collection method: clinical testing. Allele origin: germline.
Comment: This sequence change replaces methionine, which is neutral and non-polar, with lysine, which is basic and polar, at codon 1529 of the COL4A1 protein (p.Met1529Lys). This variant is not present in population databases (gnomAD no frequency). This variant has not been reported in the literature in individuals affected with COL4A1-related conditions. ClinVar contains an entry for this variant (Variation ID: 2710288). Invitae Evidence Modeling of protein sequence and biophysical properties (such as structural, functional, and spatial information, amino acid conservation, physicochemical variation, residue mobility, and thermodynamic stability) indicates that this missense variant is expected to disrupt COL4A1 protein function with a positive predictive value of 80%. In summary, the available evidence is currently insufficient to determine the role of this variant in disease. Therefore, it has been classified as a Variant of Uncertain Significance.